The following is an entry in ClinVar:

ClinVar aggregate classification (germline): Uncertain significance. Review status: criteria provided, multiple submitters, no conflicts (2 of 4 stars). 4 submissions from 4 submitters: Uncertain significance (4). Last evaluated 2024-10-19.

Conditions:
Colorectal cancer, susceptibility to, 1. Also called: COLORECTAL ADENOMA AND CANCER, SUSCEPTIBILITY TO; COLORECTAL CANCER, SUSCEPTIBILITY TO, ON CHROMOSOME 9. Identifiers: MedGen C1837315, MONDO:0012132, OMIM 608812.

Submissions (4):

Labcorp Genetics (formerly Invitae), Labcorp
Classification: Uncertain significance. Last evaluated: 2024-10-19. Review status: criteria provided, single submitter. Criteria: Invitae Variant Classification Sherloc (09022015). Collection method: clinical testing. Allele origin: germline.
Comment: This variant, c.166_174dup, results in the insertion of 3 amino acid(s) of the GALNT12 protein (p.Pro56_Pro58dup), but otherwise preserves the integrity of the reading frame. The frequency data for this variant in the population databases is considered unreliable, as metrics indicate insufficient coverage at this position in the gnomAD database. This variant has not been reported in the literature in individuals affected with GALNT12-related conditions. ClinVar contains an entry for this variant (Variation ID: 651515). Experimental studies and prediction algorithms are not available or were not evaluated, and the functional significance of this variant is currently unknown. In summary, the available evidence is currently insufficient to determine the role of this variant in disease. Therefore, it has been classified as a Variant of Uncertain Significance.

Quest Diagnostics Nichols Institute San Juan Capistrano
Classification: Uncertain significance. Last evaluated: 2024-07-29. Review status: criteria provided, single submitter. Criteria: Quest Diagnostics criteria. Collection method: clinical testing. Allele origin: unknown.
Comment: The GALNT12 c.166_174dup (p.Pro56_Pro58dup) variant has been reported in the published literature in an individual/family affected with breast cancer (PMID: 36315513 (2022)). The variant was also identified in the general population, 0.0002 (3/14740 chromosomes (Genome Aggregation Database)). Based on the available information, we are unable to determine the clinical significance of this variant.

Fulgent Genetics
Classification: Uncertain significance for Colorectal cancer, susceptibility to, 1. Last evaluated: 2024-03-17. Review status: criteria provided, single submitter. Criteria: ACMG Guidelines, 2015. Collection method: clinical testing. Allele origin: germline.

Ambry Genetics
Classification: Uncertain significance. Last evaluated: 2023-11-30. Review status: criteria provided, single submitter. Criteria: Ambry Variant Classification Scheme 2023. Collection method: clinical testing. Allele origin: germline.
Comment: The c.166_174dupCCGCGCCCC variant (also known as p.P56_P58dup), located in coding exon 1 of the GALNT12 gene, results from an in-frame duplication of CCGCGCCCC at nucleotide positions 166 to 174. This results in the duplication of 3 extra residues (PRP) between codons 56 and 58. The duplicated amino acid region is not well conserved in available vertebrate species. In addition, this alteration is predicted to be neutral by in silico analysis (Choi Y et al. PLoS ONE. 2012; 7(10):e46688). The evidence for this gene-disease relationship is limited; therefore, the clinical significance of this alteration is unclear.

Literature cited by the submitters: PubMed 36315513 (cited by Quest Diagnostics Nichols Institute San Juan Capistrano).

NM_024642.5(GALNT12):c.166_174dup (p.Pro56_Pro58dup)

Gene: GALNT12 (polypeptide N-acetylgalactosaminyltransferase 12; plus strand). Cytogenetic location: 9q22.33.
Variant type: Duplication.
Coding change: c.166_174dup on transcript NM_024642.5 (MANE Select); coding-DNA positions 166 to 174, 9 bases duplicated (CCGCGCCCC; older notation c.166_174dupCCGCGCCCC).
Protein change: p.Pro56_Pro58dup.
Molecular consequence: inframe insertion.
Genome position (GRCh38, 1-based): chr9:98,807,864-98,807,872, CCGCGCCCC duplicated; duplicating any 9 consecutive bases within chr9:98,807,862-98,807,872 gives the same sequence; the c. name uses the placement nearest the transcript's 3' end. VCF-style (leftmost placement, unchanged base first): chr9-98807861-A-ACCCCGCGCC. GRCh37 (hg19) VCF-style: chr9-101570143-A-ACCCCGCGCC.
Other names: c.166_174dup (NM_024642.4).
Identifiers: ClinVar variation 651515 (VCV000651515.15), dbSNP rs1379414621, ClinGen allele CA869114043.